The following is an entry in ClinVar:

NM_052947.4(ALPK2):c.3085G>A (p.Glu1029Lys)

Gene: ALPK2 (alpha kinase 2; minus strand). Cytogenetic location: 18q21.31.
Variant type: single nucleotide variant.
Coding change: c.3085G>A on transcript NM_052947.4 (MANE Select); coding-DNA position 3085, G replaced by A.
Protein change: p.Glu1029Lys; replaces glutamic acid 1029 with lysine.
Molecular consequence: missense variant.
Genome position (GRCh38, 1-based): chr18:58,537,102, C>T on the plus strand (G>A on the coding strand, the complement: ALPK2 is on the minus strand). VCF-style: chr18-58537102-C-T. GRCh37 (hg19) VCF-style: chr18-56204334-C-T.
Other names: short protein forms E1029K.
Identifiers: ClinVar variation 1727398 (VCV001727398.2), dbSNP rs562226184, ClinGen allele CA402569140.
Genomic context (GRCh38, chr18:58,537,102, plus strand): 5'-AAACCTTTTCATGGGATGCACGAGGGAACCTCTCCTCAGTGCCACCTGCATGCTTGTCCT[C>T]AGGAATTGACACAGCAAGGTATTTGGCTGGGTGGACTTCGGTGGCAATGGTAACAGTTGA-3'
Protein context (NP_443179.3, residues 1019-1039): PAKYLAVSIP[Glu1029Lys]DKHAGGTEER

ClinVar aggregate classification (germline): Uncertain significance (1 of 4 stars; one submission).

Submission:

Ambry Genetics
Classification: Uncertain significance. Last evaluated: 2024-02-12. Review status: criteria provided, single submitter. Criteria: Ambry Variant Classification Scheme 2023. Collection method: clinical testing. Allele origin: germline.
Comment: The p.E1029K variant (also known as c.3085G>A), located in coding exon 4 of the ALPK2 gene, results from a G to A substitution at nucleotide position 3085. The glutamic acid at codon 1029 is replaced by lysine, an amino acid with similar properties. This amino acid position is conserved. In addition, this alteration is predicted to be tolerated by in silico analysis. Since supporting evidence is limited at this time, the clinical significance of this alteration remains unclear.